The following is an entry in ClinVar:

ClinVar aggregate classification (germline): Uncertain significance (1 of 4 stars; one submission).

gnomAD v4.1: 4 of 1,585,900 alleles (0.00025%); highest among the groups gnomAD compares: East Asian, 0.0022%; no homozygotes.

Submission:

Labcorp Genetics (formerly Invitae), Labcorp
Classification: Uncertain significance. Last evaluated: 2024-05-17. Review status: criteria provided, single submitter. Criteria: Invitae Variant Classification Sherloc (09022015). Collection method: clinical testing. Allele origin: germline.
Comment: This sequence change replaces aspartic acid, which is acidic and polar, with asparagine, which is neutral and polar, at codon 1336 of the ARID1B protein (p.Asp1336Asn). This variant is present in population databases (rs772095737, gnomAD 0.004%). This variant has not been reported in the literature in individuals affected with ARID1B-related conditions. Advanced modeling of protein sequence and biophysical properties (such as structural, functional, and spatial information, amino acid conservation, physicochemical variation, residue mobility, and thermodynamic stability) has been performed at Invitae for this missense variant, however the output from this modeling did not meet the statistical confidence thresholds required to predict the impact of this variant on ARID1B protein function. In summary, the available evidence is currently insufficient to determine the role of this variant in disease. Therefore, it has been classified as a Variant of Uncertain Significance.

NM_001374828.1(ARID1B):c.4375G>A (p.Asp1459Asn)

Gene: ARID1B (AT-rich interaction domain 1B; plus strand). Cytogenetic location: 6q25.3.
Variant type: single nucleotide variant.
Coding change: c.4375G>A on transcript NM_001374828.1 (MANE Select); coding-DNA position 4375, G replaced by A.
Protein change: p.Asp1459Asn; replaces aspartic acid 1459 with asparagine.
Molecular consequence: missense variant.
Genome position (GRCh38, 1-based): chr6:157,196,308, G>A. VCF-style: chr6-157196308-G-A. GRCh37 (hg19) VCF-style: chr6-157517442-G-A.
Other names: c.1876G>A, p.Asp626Asn (NM_001363725.2); c.4255G>A, p.Asp1419Asn (NM_001371656.1, NM_001374820.1); c.4216G>A, p.Asp1406Asn (NM_017519.3); short protein forms D1459N, D626N, D1419N, D1406N.
Identifiers: ClinVar variation 3670515 (VCV003670515.2).
Genomic context (GRCh38, chr6:157,196,308, plus strand): 5'-GGAGCAATGTCTAACCTGGGCATGGGGCAGCGCCAGCAGTTTCCCTATGGAGCCAGTTAC[G>A]ACCGAAGGTGAGTATTTTTTAAGATGACAATATGATGATTTACTAGAAACCGTGCTTTCC-3'
Protein context (NP_001361757.1, residues 1449-1469): RQQFPYGASY[Asp1459Asn]RRHEPYGQQY